The following is an entry in ClinVar:

NM_020964.3(EPG5):c.1904G>T (p.Arg635Leu)

Gene: EPG5 (ectopic P-granules 5 autophagy tethering factor; minus strand). Cytogenetic location: 18q21.1.
Variant type: single nucleotide variant.
Coding change: c.1904G>T on transcript NM_020964.3 (MANE Select); coding-DNA position 1904, G replaced by T.
Protein change: p.Arg635Leu; replaces arginine 635 with leucine.
Molecular consequence: missense variant.
Genome position (GRCh38, 1-based): chr18:45,943,200, C>A on the plus strand (G>T on the coding strand, the complement: EPG5 is on the minus strand). VCF-style: chr18-45943200-C-A. GRCh37 (hg19) VCF-style: chr18-43523166-C-A.
Other names: short protein forms R635L.
Identifiers: ClinVar variation 1477953 (VCV001477953.9), dbSNP rs761134702, ClinGen allele CA402348313.
Genomic context (GRCh38, chr18:45,943,200, plus strand): 5'-GTAGAGCAACAGCAGTATTACCTGATCATATAACCAATTCGCTTCACAAACTGCCTATAG[C>A]GTGCTCTATTAAAGGTTTCTAACCCCACAGCCAGAAGTTCCACTAGTGAGTTGGCAAAGG-3'
Protein context (NP_066015.2, residues 625-645): AVGLETFNRA[Arg635Leu]YRQFVKRIGY

ClinVar aggregate classification (germline): Uncertain significance (1 of 4 stars; one submission).

Conditions:
Vici syndrome (VICIS). Identifiers: Orphanet 1493, MedGen C1855772, MONDO:0009452, OMIM 242840.

Submission:

Labcorp Genetics (formerly Invitae), Labcorp
Classification: Uncertain significance for Vici syndrome. Last evaluated: 2021-04-16. Review status: criteria provided, single submitter. Criteria: Invitae Variant Classification Sherloc (09022015). Collection method: clinical testing. Allele origin: germline.
Comment: In summary, the available evidence is currently insufficient to determine the role of this variant in disease. Therefore, it has been classified as a Variant of Uncertain Significance. Algorithms developed to predict the effect of missense changes on protein structure and function are either unavailable or do not agree on the potential impact of this missense change (SIFT: "Tolerated"; PolyPhen-2: "Probably Damaging"; Align-GVGD: "Class C0"). This variant has not been reported in the literature in individuals with EPG5-related conditions. This variant is not present in population databases (ExAC no frequency). This sequence change replaces arginine with leucine at codon 635 of the EPG5 protein (p.Arg635Leu). The arginine residue is moderately conserved and there is a moderate physicochemical difference between arginine and leucine.